The following is an entry in ClinVar:

ClinVar aggregate classification (germline): Uncertain significance (1 of 4 stars; one submission).

Submission:

CeGaT Center for Human Genetics Tuebingen
Classification: Uncertain significance. Last evaluated: 2024-07-01. Review status: criteria provided, single submitter. Criteria: CeGaT Center For Human Genetics Tuebingen Variant Classification Criteria Version 2. Collection method: clinical testing. Allele origin: germline. Affected: yes. Observed: 1 variant allele.
Comment: POLR1A: PM2

NM_015425.6(POLR1A):c.4838G>A (p.Gly1613Asp)

Gene: POLR1A (RNA polymerase I subunit A; minus strand). Cytogenetic location: 2p11.2.
Variant type: single nucleotide variant.
Coding change: c.4838G>A on transcript NM_015425.6 (MANE Select); coding-DNA position 4838, G replaced by A.
Protein change: p.Gly1613Asp; replaces glycine 1613 with aspartic acid.
Molecular consequence: missense variant.
Genome position (GRCh38, 1-based): chr2:86,028,653, C>T on the plus strand (G>A on the coding strand, the complement: POLR1A is on the minus strand). VCF-style: chr2-86028653-C-T. GRCh37 (hg19) VCF-style: chr2-86255776-C-T.
Other names: short protein forms G1613D.
Identifiers: ClinVar variation 3257432 (VCV003257432.17).
Genomic context (GRCh38, chr2:86,028,653, plus strand): 5'-CCATACACGGCAAACACATCCTTGATCTCCTTCTCGATCACCCGCAGCGCGGCCTCAATG[C>T]CATACGTGTTGGCTATGGCGTGGATGTCGTTGGAGTAGAGGCGGCGCAGATCCAGGACCT-3'
Protein context (NP_056240.2, residues 1603-1623): NDIHAIANTY[Gly1613Asp]IEAALRVIEK